The following is an entry in ClinVar:

ClinVar aggregate classification (germline): Uncertain significance (1 of 4 stars; one submission).

Allele frequency attached by ClinVar (database versions not stated): TOPMed 0.00001.

Submission:

GeneDx
Classification: Uncertain significance. Last evaluated: 2023-01-22. Review status: criteria provided, single submitter. Criteria: GeneDx Variant Classification Process June 2021. Collection method: clinical testing. Allele origin: germline. Affected: yes.
Comment: Not observed at significant frequency in large population cohorts (gnomAD); In silico analysis supports that this missense variant does not alter protein structure/function; Has not been previously published as pathogenic or benign to our knowledge

NM_001170629.2(CHD8):c.895C>G (p.Pro299Ala)

Gene: CHD8 (chromodomain helicase DNA binding protein 8; minus strand). Cytogenetic location: 14q11.2.
Variant type: single nucleotide variant.
Coding change: c.895C>G on transcript NM_001170629.2 (MANE Select); coding-DNA position 895, C replaced by G.
Protein change: p.Pro299Ala; replaces proline 299 with alanine.
Molecular consequence: missense variant.
Genome position (GRCh38, 1-based): chr14:21,429,284, G>C on the plus strand (C>G on the coding strand, the complement: CHD8 is on the minus strand). VCF-style: chr14-21429284-G-C. GRCh37 (hg19) VCF-style: chr14-21897443-G-C.
Other names: c.58C>G, p.Pro20Ala (NM_020920.4); short protein forms P20A, P299A.
Identifiers: ClinVar variation 2573860 (VCV002573860.1), dbSNP rs1889459927, ClinGen allele CA388885605.